The following is an entry in ClinVar:

NM_170743.4(IFNLR1):c.250A>G (p.Met84Val)

Gene: IFNLR1 (interferon lambda receptor 1; minus strand). Cytogenetic location: 1p36.11.
Variant type: single nucleotide variant.
Coding change: c.250A>G on transcript NM_170743.4 (MANE Select); coding-DNA position 250, A replaced by G.
Protein change: p.Met84Val; replaces methionine 84 with valine.
Molecular consequence: missense variant.
Genome position (GRCh38, 1-based): chr1:24,169,534, T>C on the plus strand (A>G on the coding strand, the complement: IFNLR1 is on the minus strand). VCF-style: chr1-24169534-T-C. GRCh37 (hg19) VCF-style: chr1-24496024-T-C.
Other names: c.250A>G, p.Met84Val (NM_173064.3, NM_173065.3); short protein forms M84V.
Identifiers: ClinVar variation 2371389 (VCV002371389.4), dbSNP rs769288938, ClinGen allele CA689660.

ClinVar aggregate classification (germline): Uncertain significance. Review status: criteria provided, multiple submitters, no conflicts (2 of 4 stars). 2 submissions from 2 submitters: Uncertain significance (2). Last evaluated 2025-11-08.

Conditions:
IFNLR1-related disorder. Also called: IFNLR1-related condition.

Allele frequency attached by ClinVar (database versions not stated): ExAC 0.00003; TOPMed 0.00003.
gnomAD v4.1: 57 of 1,614,108 alleles (0.0035%); highest among the groups gnomAD compares: South Asian, 0.011%; no homozygotes.

Submissions (2):

PreventionGenetics, part of Exact Sciences
Classification: Uncertain significance for IFNLR1-related condition. Last evaluated: 2025-11-08. Review status: criteria provided, single submitter. Criteria: ACMG Guidelines, 2015. Collection method: clinical testing. Allele origin: germline.
Comment: The IFNLR1 c.250A>G variant is predicted to result in the amino acid substitution p.Met84Val. To our knowledge, this variant has not been reported in the literature. This variant is reported in 0.0099% of alleles in individuals of Ashkenazi Jewish descent in gnomAD. At this time, the clinical significance of this variant is uncertain due to the absence of conclusive functional and genetic evidence.

Ambry Genetics
Classification: Uncertain significance. Last evaluated: 2025-04-09. Review status: criteria provided, single submitter. Criteria: Ambry Variant Classification Scheme 2023. Collection method: clinical testing. Allele origin: germline.